The following is an entry in ClinVar:

ClinVar aggregate classification (germline): Uncertain significance (1 of 4 stars; one submission).

Submission:

GeneDx
Classification: Uncertain significance. Last evaluated: 2025-04-23. Review status: criteria provided, single submitter. Criteria: GeneDx Variant Classification Process June 2021. Collection method: clinical testing. Allele origin: germline. Affected: yes.
Comment: Not observed at significant frequency in large population cohorts (gnomAD); In silico analysis indicates that this missense variant does not alter protein structure/function; Has not been previously published as pathogenic or benign to our knowledge

NM_001458.5(FLNC):c.6574G>C (p.Glu2192Gln)

Genes: FLNC (filamin C; plus strand), FLNC-AS1 (FLNC antisense RNA 1; minus strand). Cytogenetic location: 7q32.1.
Variant type: single nucleotide variant.
Coding change: c.6574G>C on transcript NM_001458.5 (MANE Select); coding-DNA position 6574, G replaced by C.
Protein change: p.Glu2192Gln; replaces glutamic acid 2192 with glutamine.
Molecular consequence: missense variant.
Genome position (GRCh38, 1-based): chr7:128,854,063, G>C. VCF-style: chr7-128854063-G-C. GRCh37 (hg19) VCF-style: chr7-128494117-G-C.
Other names: c.6475G>C, p.Glu2159Gln (NM_001127487.2); short protein forms E2159Q, E2192Q.
Identifiers: ClinVar variation 4527348 (VCV004527348.1).
Genomic context (GRCh38, chr7:128,854,063, plus strand): 5'-GAGCGCCTGACACGCACCTTCACACGCAGCAGCCACACCTACACCCGCACGGAGCGCACG[G>C]AGATCAGCAAGACGCGGGGCGGGGAGACAAAGCGCGAGGTGCGGGTGGAGGAGTCCACCC-3'
Protein context (NP_001449.3, residues 2182-2202): SHTYTRTERT[Glu2192Gln]ISKTRGGETK